The following is an entry in ClinVar:

ClinVar aggregate classification (germline): Uncertain significance. Review status: criteria provided, multiple submitters, no conflicts (2 of 4 stars). 2 submissions from 2 submitters: Uncertain significance (2). Last evaluated 2025-08-30.

Conditions:
Stickler syndrome type 2 (STL2). Also called: STICKLER SYNDROME, BEADED VITREOUS TYPE; STICKLER SYNDROME, VITREOUS TYPE 2; COL11A1-Related Stickler Syndrome; STICKLER SYNDROME, TYPE II. Identifiers: Orphanet 828, Orphanet 90654, MedGen C1858084, MONDO:0011493, OMIM 604841.
Hearing loss, autosomal dominant 37. Also called: DEAFNESS, AUTOSOMAL DOMINANT 37. Identifiers: MedGen C4760307, MONDO:0032802, OMIM 618533.
Marshall syndrome (MRSHS). Identifiers: Orphanet 560, MedGen C0265235, MONDO:0007949, OMIM 154780.
Fibrochondrogenesis 1 (FBCG1). Identifiers: Orphanet 2021, MedGen C3278138, MONDO:0009226, OMIM 228520.
Intervertebral disc disorder (IDD). Also called: Lumbar disk degenerative disorder; INTERVERTEBRAL DISC DISEASE. Identifiers: MedGen C0158252, MONDO:0044339, OMIM 603932.

Allele frequency attached by ClinVar (database versions not stated): gnomAD 0.00001; ExAC 0.00002; gnomAD exomes 0.00002; TOPMed 0.00003; ESP Exome Variant Server 0.00008.
gnomAD v4.1: 31 of 1,579,090 alleles (0.002%); highest among the groups gnomAD compares: African/African-American, 0.0041%; no homozygotes.

Submissions (2):

Labcorp Genetics (formerly Invitae), Labcorp
Classification: Uncertain significance. Last evaluated: 2025-08-30. Review status: criteria provided, single submitter. Criteria: Invitae Variant Classification Sherloc (09022015). Collection method: clinical testing. Allele origin: germline.
Comment: This sequence change falls in intron 30 of the COL11A1 gene. It does not directly change the encoded amino acid sequence of the COL11A1 protein. It affects a nucleotide within the consensus splice site. This variant is present in population databases (rs372197926, gnomAD 0.007%). This variant has not been reported in the literature in individuals affected with COL11A1-related conditions. ClinVar contains an entry for this variant (Variation ID: 1898712). Variants that disrupt the consensus splice site are a relatively common cause of aberrant splicing (PMID: 17576681, 9536098). Algorithms developed to predict the effect of sequence changes on RNA splicing suggest that this variant is not likely to affect RNA splicing. In summary, the available evidence is currently insufficient to determine the role of this variant in disease. Therefore, it has been classified as a Variant of Uncertain Significance.

Fulgent Genetics
Classification: Uncertain significance for Marshall syndrome; Fibrochondrogenesis 1; Intervertebral disc disorder; Stickler syndrome type 2; Hearing loss, autosomal dominant 37. Last evaluated: 2024-05-20. Review status: criteria provided, single submitter. Criteria: ACMG Guidelines, 2015. Collection method: clinical testing. Allele origin: germline.

Literature cited by the submitters: PubMed 17576681 (cited by Labcorp Genetics (formerly Invitae), Labcorp); PubMed 9536098 (cited by Labcorp Genetics (formerly Invitae), Labcorp).

NM_001854.4(COL11A1):c.2503-3T>C

Gene: COL11A1 (collagen type XI alpha 1 chain; minus strand). Cytogenetic location: 1p21.1.
Variant type: single nucleotide variant.
Coding change: c.2503-3T>C on transcript NM_001854.4 (MANE Select); 3 bases into the intron before coding-DNA position 2503, T replaced by C.
Molecular consequence: intron variant.
Genome position (GRCh38, 1-based): chr1:102,984,194, A>G on the plus strand (T>C on the coding strand, the complement: COL11A1 is on the minus strand). VCF-style: chr1-102984194-A-G. GRCh37 (hg19) VCF-style: chr1-103449750-A-G.
Other names: c.2386-3T>C (NM_001190709.2); c.2539-3T>C (NM_080629.3); c.2155-3T>C (NM_080630.4).
Identifiers: ClinVar variation 1898712 (VCV001898712.6), dbSNP rs372197926, ClinGen allele CA974409.